The following is an entry in ClinVar:

ClinVar aggregate classification (germline): Uncertain significance. Review status: criteria provided, multiple submitters, no conflicts (2 of 4 stars). 3 submissions from 3 submitters: Uncertain significance (3). Last evaluated 2025-04-22.

Conditions:
Long QT syndrome (LQTS). Identifiers: MedGen C0023976, MeSH D008133, MONDO:0002442. Disease mechanism: loss of function. Inheritance: Various modes of inheritance.
Cardiac arrhythmia, ankyrin-B-related. Also called: ANKYRIN-B SYNDROME. Identifiers: Orphanet 101016, Orphanet 768, MedGen C1970119, MONDO:0010958, OMIM 600919.
Cardiovascular phenotype. Identifiers: MedGen CN230736.

Allele frequency attached by ClinVar (database versions not stated): gnomAD 0.00001; gnomAD exomes 0.00001 and 0.00002; ExAC 0.00002; TOPMed 0.00002; ESP Exome Variant Server 0.00015.
gnomAD v4.1: 37 of 1,613,772 alleles (0.0023%); highest among the groups gnomAD compares: Non-Finnish European, 0.0031%; no homozygotes.

Submissions (3):

Labcorp Genetics (formerly Invitae), Labcorp
Classification: Uncertain significance for Long QT syndrome. Last evaluated: 2025-04-22. Review status: criteria provided, single submitter. Criteria: Invitae Variant Classification Sherloc (09022015). Collection method: clinical testing. Allele origin: germline.
Comment: This sequence change replaces glycine, which is neutral and non-polar, with valine, which is neutral and non-polar, at codon 1718 of the ANK2 protein (p.Gly1718Val). This variant is present in population databases (rs141790688, gnomAD 0.007%). This variant has not been reported in the literature in individuals affected with ANK2-related conditions. ClinVar contains an entry for this variant (Variation ID: 527006). An algorithm developed to predict the effect of missense changes on protein structure and function (PolyPhen-2) suggests that this variant is likely to be tolerated. In summary, the available evidence is currently insufficient to determine the role of this variant in disease. Therefore, it has been classified as a Variant of Uncertain Significance.

Ambry Genetics
Classification: Uncertain significance for Cardiovascular phenotype. Last evaluated: 2024-09-15. Review status: criteria provided, single submitter. Criteria: Ambry Variant Classification Scheme 2023. Collection method: clinical testing. Allele origin: germline.
Comment: The p.G1718V variant (also known as c.5153G>T), located in coding exon 38 of the ANK2 gene, results from a G to T substitution at nucleotide position 5153. The glycine at codon 1718 is replaced by valine, an amino acid with dissimilar properties. This amino acid position is conserved. In addition, this alteration is predicted to be tolerated by in silico analysis. Based on the available evidence, the clinical significance of this variant remains unclear.

Fulgent Genetics
Classification: Uncertain significance for Cardiac arrhythmia, ankyrin-B-related. Last evaluated: 2021-10-28. Review status: criteria provided, single submitter. Criteria: ACMG Guidelines, 2015. Collection method: clinical testing. Allele origin: unknown.

NM_001148.6(ANK2):c.5153G>T (p.Gly1718Val)

Gene: ANK2 (ankyrin 2; plus strand). Cytogenetic location: 4q26.
Variant type: single nucleotide variant.
Coding change: c.5153G>T on transcript NM_001148.6 (MANE Select); coding-DNA position 5153, G replaced by T.
Protein change: p.Gly1718Val; replaces glycine 1718 with valine.
Molecular consequence: missense variant. On other transcripts: intron variant (68).
Genome position (GRCh38, 1-based): chr4:113,353,771, G>T. VCF-style: chr4-113353771-G-T. GRCh37 (hg19) VCF-style: chr4-114274927-G-T.
Other names: c.4919G>T, p.Gly1640Val (NM_001386142.1); c.1553G>T, p.Gly518Val (NM_001386166.1); c.5294G>T, p.Gly1765Val (NM_001386174.1); c.5270G>T, p.Gly1757Val (NM_001386175.1); c.4411+3522G>T (NM_001386186.2, NM_001386148.2); c.4213+3522G>T (NM_001354269.3); c.4291+3522G>T (NM_001386187.2); c.4252+3522G>T (NM_001386147.1); and 35 more; short protein forms G1718V, G1640V, G1757V, G1765V, G518V.
Identifiers: ClinVar variation 527006 (VCV000527006.7), dbSNP rs141790688, ClinGen allele CA3051185.